The following is an entry in ClinVar:

ClinVar aggregate classification (germline): Uncertain significance (1 of 4 stars; one submission).

Conditions:
Aortic aneurysm, familial thoracic 7 (AAT7). Also called: AORTIC DISSECTION, FAMILIAL, WITH OR WITHOUT AORTIC ANEURYSM. Identifiers: MedGen C3151077, MONDO:0013418, OMIM 613780.

Submission:

Labcorp Genetics (formerly Invitae), Labcorp
Classification: Uncertain significance for Aortic aneurysm, familial thoracic 7. Last evaluated: 2023-08-16. Review status: criteria provided, single submitter. Criteria: Invitae Variant Classification Sherloc (09022015). Collection method: clinical testing. Allele origin: germline.
Comment: In summary, the available evidence is currently insufficient to determine the role of this variant in disease. Therefore, it has been classified as a Variant of Uncertain Significance. Advanced modeling of protein sequence and biophysical properties (such as structural, functional, and spatial information, amino acid conservation, physicochemical variation, residue mobility, and thermodynamic stability) performed at Invitae indicates that this missense variant is not expected to disrupt MYLK protein function. This variant has not been reported in the literature in individuals affected with MYLK-related conditions. This variant is not present in population databases (gnomAD no frequency). This sequence change replaces serine, which is neutral and polar, with phenylalanine, which is neutral and non-polar, at codon 342 of the MYLK protein (p.Ser342Phe).

NM_053025.4(MYLK):c.1025C>T (p.Ser342Phe)

Gene: MYLK (myosin light chain kinase; minus strand). Cytogenetic location: 3q21.1.
Variant type: single nucleotide variant.
Coding change: c.1025C>T on transcript NM_053025.4 (MANE Select); coding-DNA position 1025, C replaced by T.
Protein change: p.Ser342Phe; replaces serine 342 with phenylalanine.
Molecular consequence: missense variant.
Genome position (GRCh38, 1-based): chr3:123,733,971, G>A on the plus strand (C>T on the coding strand, the complement: MYLK is on the minus strand). VCF-style: chr3-123733971-G-A. GRCh37 (hg19) VCF-style: chr3-123452818-G-A.
Other names: c.497C>T, p.Ser166Phe (NM_001321309.2); c.1025C>T, p.Ser342Phe (NM_053026.4, NM_053027.4, NM_053028.4); short protein forms S166F, S342F.
Identifiers: ClinVar variation 3023150 (VCV003023150.3), dbSNP rs140100605, ClinGen allele CA073915.